The following is an entry in ClinVar:

ClinVar aggregate classification (germline): Uncertain significance (1 of 4 stars; one submission).

Allele frequency attached by ClinVar (database versions not stated): TOPMed below 0.00001.
gnomAD v4.1: 8 of 1,550,298 alleles (0.00052%); highest among the groups gnomAD compares: Non-Finnish European, 0.00061%; no homozygotes.

Submission:

Labcorp Genetics (formerly Invitae), Labcorp
Classification: Uncertain significance. Last evaluated: 2022-02-12. Review status: criteria provided, single submitter. Criteria: Invitae Variant Classification Sherloc (09022015). Collection method: clinical testing. Allele origin: germline.
Comment: This sequence change replaces valine, which is neutral and non-polar, with leucine, which is neutral and non-polar, at codon 1934 of the ZNF469 protein (p.Val1934Leu). In summary, the available evidence is currently insufficient to determine the role of this variant in disease. Therefore, it has been classified as a Variant of Uncertain Significance. Algorithms developed to predict the effect of missense changes on protein structure and function are either unavailable or do not agree on the potential impact of this missense change (SIFT: "Deleterious"; PolyPhen-2: "Benign"; Align-GVGD: "Class C0"). This variant has not been reported in the literature in individuals affected with ZNF469-related conditions. This variant is not present in population databases (gnomAD no frequency).

NM_001367624.2(ZNF469):c.5884G>T (p.Val1962Leu)

Gene: ZNF469 (zinc finger protein 469; plus strand). Cytogenetic location: 16q24.2.
Variant type: single nucleotide variant.
Coding change: c.5884G>T on transcript NM_001367624.2 (MANE Select); coding-DNA position 5884, G replaced by T.
Protein change: p.Val1962Leu; replaces valine 1962 with leucine.
Molecular consequence: missense variant.
Genome position (GRCh38, 1-based): chr16:88,433,354, G>T. VCF-style: chr16-88433354-G-T. GRCh37 (hg19) VCF-style: chr16-88499762-G-T.
Other names: short protein forms V1962L.
Identifiers: ClinVar variation 1916550 (VCV001916550.5), dbSNP rs890326716, ClinGen allele CA286381002.